The following is an entry in ClinVar:

NM_021625.5(TRPV4):c.313G>A (p.Asp105Asn)

Gene: TRPV4 (transient receptor potential cation channel subfamily V member 4; minus strand). Cytogenetic location: 12q24.11.
Variant type: single nucleotide variant.
Coding change: c.313G>A on transcript NM_021625.5 (MANE Select); coding-DNA position 313, G replaced by A.
Protein change: p.Asp105Asn; replaces aspartic acid 105 with asparagine.
Molecular consequence: missense variant.
Genome position (GRCh38, 1-based): chr12:109,814,484, C>T on the plus strand (G>A on the coding strand, the complement: TRPV4 is on the minus strand). VCF-style: chr12-109814484-C-T. GRCh37 (hg19) VCF-style: chr12-110252289-C-T.
Other names: c.313G>A, p.Asp105Asn (NM_001177433.2, NM_147204.3, NM_001177428.2); c.211G>A, p.Asp71Asn (NM_001177431.2); short protein forms D71N, D105N.
Identifiers: ClinVar variation 2098793 (VCV002098793.4), dbSNP rs2136659447, ClinGen allele CA386660106.

ClinVar aggregate classification (germline): Uncertain significance (1 of 4 stars; one submission).

Conditions:
Charcot-Marie-Tooth disease axonal type 2C (HMSN2C). Also called: Charcot-Marie-Tooth Disease Type 2, TRPV4-Related (CMT2C); CHARCOT-MARIE-TOOTH DISEASE, AXONAL, AUTOSOMAL DOMINANT, TYPE 2C; Charcot-Marie-Tooth Neuropathy Type 2C. Identifiers: Orphanet 99937, MedGen C1853710, MONDO:0011633, OMIM 606071.

Submission:

Labcorp Genetics (formerly Invitae), Labcorp
Classification: Uncertain significance for Charcot-Marie-Tooth disease axonal type 2C. Last evaluated: 2022-02-18. Review status: criteria provided, single submitter. Criteria: Invitae Variant Classification Sherloc (09022015). Collection method: clinical testing. Allele origin: germline.
Comment: This sequence change replaces aspartic acid, which is acidic and polar, with asparagine, which is neutral and polar, at codon 105 of the TRPV4 protein (p.Asp105Asn). This variant is not present in population databases (gnomAD no frequency). This variant has not been reported in the literature in individuals affected with TRPV4-related conditions. Algorithms developed to predict the effect of missense changes on protein structure and function are either unavailable or do not agree on the potential impact of this missense change (SIFT: "Deleterious"; PolyPhen-2: "Probably Damaging"; Align-GVGD: "Class C0"). In summary, the available evidence is currently insufficient to determine the role of this variant in disease. Therefore, it has been classified as a Variant of Uncertain Significance.